The following is an entry in ClinVar:

ClinVar aggregate classification (germline): Uncertain significance (1 of 4 stars; one submission).

Submission:

Women's Health and Genetics/Laboratory Corporation of America, LabCorp
Classification: Uncertain significance. Last evaluated: 2024-11-25. Review status: criteria provided, single submitter. Criteria: LabCorp Variant Classification Summary - May 2015. Collection method: clinical testing. Allele origin: germline.
Comment: Variant summary: The variant involves the deletion of exons 1-22 in the CACNA1G gene. A presumed nomenclature of c.(?_-746)_(4296+1_4297-1)del has been designated for the purposes of this classification. The exact breakpoint at the 5' end of this variant is unknown, therefore this deletion may extend upstream of the annotated region of this gene. Although the exact breakpoints of this deletion are not known, it is predicted to remove the initiation codon and result in an absence of protein or a truncation of the encoded protein due to translation initiation at a downstream site. Current evidence is not sufficient to establish loss of function as a mechanism for disease. The variant was absent in 21694 control chromosomes. The available data on variant occurrences in the general population are insufficient to allow any conclusion about variant significance. To our knowledge, no occurrence of c.(?_-746)_(4296+1_4297-1)del in individuals affected with Spinocerebellar Ataxia Type 42 and no experimental evidence demonstrating its impact on protein function have been reported. No submitters have cited clinical-significance assessments for this variant to ClinVar. Based on the evidence outlined above, the variant was classified as uncertain significance.

NC_000017.10:g.(?_48638075)_(48681643_48683258)del

Gene: CACNA1G (calcium voltage-gated channel subunit alpha1 G; plus strand). Cytogenetic location: 17q21.33.
Variant type: Deletion.
Identifiers: ClinVar variation 3629578 (VCV003629578.2).